The following is an entry in ClinVar:

NM_020919.4(ALS2):c.2632C>T (p.Leu878Phe)

Gene: ALS2 (alsin Rho guanine nucleotide exchange factor ALS2; minus strand). Cytogenetic location: 2q33.1.
Variant type: single nucleotide variant.
Coding change: c.2632C>T on transcript NM_020919.4 (MANE Select); coding-DNA position 2632, C replaced by T.
Protein change: p.Leu878Phe; replaces leucine 878 with phenylalanine.
Molecular consequence: missense variant.
Genome position (GRCh38, 1-based): chr2:201,729,132, G>A on the plus strand (C>T on the coding strand, the complement: ALS2 is on the minus strand). VCF-style: chr2-201729132-G-A. GRCh37 (hg19) VCF-style: chr2-202593855-G-A.
Other names: short protein forms L878F.
Identifiers: ClinVar variation 968027 (VCV000968027.8), dbSNP rs568716023, ClinGen allele CA2058125.

ClinVar aggregate classification (germline): Uncertain significance. Review status: criteria provided, multiple submitters, no conflicts (2 of 4 stars). 3 submissions from 3 submitters: Uncertain significance (3). Last evaluated 2024-01-24.

Conditions:
Inborn genetic diseases. Identifiers: MedGen C0950123, MeSH D030342.
Infantile-onset ascending hereditary spastic paralysis (IAHSP). Also called: Autosomal Recessive Juvenile Amyotrophic Lateral Sclerosis; Infantile-Onset Ascending Hereditary Spastic Paralysis (IAHSP). Identifiers: Orphanet 293168, MedGen C2931441, MONDO:0011797, OMIM 607225. Disease mechanism: loss of function.

Allele frequency attached by ClinVar (database versions not stated): TOPMed 0.00004; gnomAD 0.00006; gnomAD exomes 0.00007 and 0.00014; ExAC 0.00021.
gnomAD v4.1: 120 of 1,613,304 alleles (0.0074%); highest among the groups gnomAD compares: Non-Finnish European, 0.009%; no homozygotes.

Submissions (3):

Labcorp Genetics (formerly Invitae), Labcorp
Classification: Uncertain significance for Infantile-onset ascending hereditary spastic paralysis. Last evaluated: 2024-01-24. Review status: criteria provided, single submitter. Criteria: Invitae Variant Classification Sherloc (09022015). Collection method: clinical testing. Allele origin: germline.
Comment: This sequence change replaces leucine, which is neutral and non-polar, with phenylalanine, which is neutral and non-polar, at codon 878 of the ALS2 protein (p.Leu878Phe). This variant is present in population databases (rs568716023, gnomAD 0.03%). This variant has not been reported in the literature in individuals affected with ALS2-related conditions. ClinVar contains an entry for this variant (Variation ID: 968027). Advanced modeling of protein sequence and biophysical properties (such as structural, functional, and spatial information, amino acid conservation, physicochemical variation, residue mobility, and thermodynamic stability) performed at Invitae indicates that this missense variant is not expected to disrupt ALS2 protein function with a negative predictive value of 80%. In summary, the available evidence is currently insufficient to determine the role of this variant in disease. Therefore, it has been classified as a Variant of Uncertain Significance.

Ambry Genetics
Classification: Uncertain significance for Inborn genetic diseases. Last evaluated: 2022-10-06. Review status: criteria provided, single submitter. Criteria: Ambry Variant Classification Scheme 2023. Collection method: clinical testing. Allele origin: germline.

Athena Diagnostics
Classification: Uncertain significance. Last evaluated: 2020-07-28. Review status: criteria provided, single submitter. Criteria: Athena Diagnostics Criteria. Collection method: clinical testing. Allele origin: unknown.